The following is an entry in ClinVar:

ClinVar aggregate classification (germline): Uncertain significance (0 of 4 stars; one submission).

Conditions:
NPHP4-related disorder. Also called: NPHP4-related condition; NPHP4-related disorders. Identifiers: MedGen CN239384.

Submission:

PreventionGenetics, part of Exact Sciences
Classification: Uncertain significance for NPHP4-related condition. Last evaluated: 2023-12-19. Review status: no assertion criteria provided. Collection method: clinical testing. Allele origin: germline.
Comment: The NPHP4 c.3628_3630delTTT variant is predicted to result in an in-frame deletion (p.Phe1210del). To our knowledge, this variant has not been reported in the literature or in a large population database, indicating this variant is rare. At this time, the clinical significance of this variant is uncertain due to the absence of conclusive functional and genetic evidence.

NM_015102.5(NPHP4):c.3628_3630del (p.Phe1210del)

Gene: NPHP4 (nephrocystin 4; minus strand). Cytogenetic location: 1p36.31.
Variant type: Deletion.
Coding change: c.3628_3630del on transcript NM_015102.5 (MANE Select); coding-DNA positions 3628 to 3630, 3 bases deleted (TTT; older notation c.3628_3630delTTT).
Protein change: p.Phe1210del; deletes phenylalanine 1210.
Molecular consequence: non-coding transcript variant (on NR_111987.2).
Genome position (GRCh38, 1-based): chr1:5,866,387-5,866,389, AAA deleted on the plus strand (TTT on the coding strand, the reverse complement: NPHP4 is on the minus strand). VCF-style (leftmost placement, unchanged base first): chr1-5866386-CAAA-C. GRCh37 (hg19) VCF-style: chr1-5926446-CAAA-C.
Other names: c.2089_2091del, p.Phe697del (NM_001291593.2); c.2092_2094del, p.Phe698del (NM_001291594.2); short protein forms F1210del, F697del, F698del.
Identifiers: ClinVar variation 3033325 (VCV003033325.2), dbSNP rs2522752781, ClinGen allele CA2740090563.